The following is an entry in ClinVar:

ClinVar aggregate classification (germline): Uncertain significance (1 of 4 stars; one submission).

Conditions:
Developmental and epileptic encephalopathy, 19 (DEE19). Also called: Epileptic encephalopathy, early infantile, 19. Identifiers: Orphanet 33069, MedGen C3810400, MONDO:0014328, OMIM 615744.

gnomAD v4.1: 1 of 1,614,064 alleles (0.000062%); highest among the groups gnomAD compares: South Asian, 0.0011%; no homozygotes.

Submission:

Diagnostics Services (NGS), CSIR - Centre For Cellular And Molecular Biology
Classification: Uncertain significance for Developmental and epileptic encephalopathy, 19. Last evaluated: 2021-10-25. Review status: criteria provided, single submitter. Criteria: ACMG Guidelines, 2015. Collection method: clinical testing. Allele origin: unknown. Inheritance: Autosomal dominant inheritance. Affected: yes. Observed: 1 variant allele, 1 heterozygote.
Comment: The c.1350A>T variant is not present in publicly available population databases like 1000 Genomes, EVS, ExAC, gnomAD and dbSNP. The variant is not present in Indian Exome Database and in our in-house exome database. The variant was not earlier reported to ClinVar, Human Genome Mutation Database (HGMD) and OMIM databases in any affected individuals. In-silico pathogenicity prediction programs like SIFT, Polyphen-2, MutationTaster2, CADD predicted this variant to be likely deleterious, however these predictions have not been confirmed by published functional studies.

NM_001127644.2(GABRA1):c.1350A>T (p.Lys450Asn)

Gene: GABRA1 (gamma-aminobutyric acid type A receptor subunit alpha1; plus strand). Cytogenetic location: 5q34.
Variant type: single nucleotide variant.
Coding change: c.1350A>T on transcript NM_001127644.2 (MANE Select); coding-DNA position 1350, A replaced by T.
Protein change: p.Lys450Asn; replaces lysine 450 with asparagine.
Molecular consequence: missense variant.
Genome position (GRCh38, 1-based): chr5:161,897,401, A>T. VCF-style: chr5-161897401-A-T. GRCh37 (hg19) VCF-style: chr5-161324407-A-T.
Other names: c.1350A>T, p.Lys450Asn (NM_000806.5, NM_001127643.2, NM_001127645.2 and 1 more transcripts); short protein forms K450N.
Identifiers: ClinVar variation 1329481 (VCV001329481.3), dbSNP rs142385746, ClinGen allele CA362181390.
Genomic context (GRCh38, chr5:161,897,401, plus strand): 5'-ATTTGGAATCTTTAACTTAGTCTACTGGGCTACGTATTTAAACAGAGAGCCTCAGCTAAA[A>T]GCCCCCACACCACATCAATAGATCTTTTACTCACATTCTGTTGTTCAGTCCTCTGCACTG-3'
Protein context (NP_001121116.1, residues 440-456): ATYLNREPQL[Lys450Asn]APTPHQ